The following is an entry in ClinVar:

ClinVar aggregate classification (germline): Uncertain significance (1 of 4 stars; one submission).

Conditions:
Neonatal-onset encephalopathy with rigidity and seizures. Also called: Lethal neonatal spasticity-epileptic encephalopathy syndrome. Identifiers: Orphanet 435845, MedGen C3281029, MONDO:0013784, OMIM 614498.

Allele frequency attached by ClinVar (database versions not stated): TOPMed 0.00002; ExAC 0.00003; ESP Exome Variant Server 0.00008.
gnomAD v4.1: 19 of 1,612,400 alleles (0.0012%); highest among the groups gnomAD compares: Admixed American, 0.0017%; no homozygotes.

Submission:

Labcorp Genetics (formerly Invitae), Labcorp
Classification: Uncertain significance for Neonatal-onset encephalopathy with rigidity and seizures. Last evaluated: 2024-10-28. Review status: criteria provided, single submitter. Criteria: Invitae Variant Classification Sherloc (09022015). Collection method: clinical testing. Allele origin: germline.
Comment: This sequence change replaces alanine, which is neutral and non-polar, with threonine, which is neutral and polar, at codon 748 of the BRAT1 protein (p.Ala748Thr). This variant is present in population databases (rs373538456, gnomAD 0.006%). This variant has not been reported in the literature in individuals affected with BRAT1-related conditions. ClinVar contains an entry for this variant (Variation ID: 942065). Invitae Evidence Modeling of protein sequence and biophysical properties (such as structural, functional, and spatial information, amino acid conservation, physicochemical variation, residue mobility, and thermodynamic stability) indicates that this missense variant is not expected to disrupt BRAT1 protein function with a negative predictive value of 95%. In summary, the available evidence is currently insufficient to determine the role of this variant in disease. Therefore, it has been classified as a Variant of Uncertain Significance.

NM_152743.4(BRAT1):c.2242G>A (p.Ala748Thr)

Gene: BRAT1 (BRCA1 associated ATM activator 1; minus strand). Cytogenetic location: 7p22.3.
Variant type: single nucleotide variant.
Coding change: c.2242G>A on transcript NM_152743.4 (MANE Select); coding-DNA position 2242, G replaced by A.
Protein change: p.Ala748Thr; replaces alanine 748 with threonine.
Molecular consequence: missense variant. On other transcripts: non-coding transcript variant (1).
Genome position (GRCh38, 1-based): chr7:2,538,293, C>T on the plus strand (G>A on the coding strand, the complement: BRAT1 is on the minus strand). VCF-style: chr7-2538293-C-T. GRCh37 (hg19) VCF-style: chr7-2577927-C-T.
Other names: c.2422G>A, p.Ala808Thr (NM_001350626.2); c.1717G>A, p.Ala573Thr (NM_001350627.2); short protein forms A573T, A748T, A808T.
Identifiers: ClinVar variation 942065 (VCV000942065.8), dbSNP rs373538456, ClinGen allele CA4127420.